The following is an entry in ClinVar:

NC_000009.11:g.(?_26984235)_(27009176_?)del

Genes: IFT74 (intraflagellar transport 74; plus strand), LRRC19 (leucine rich repeat containing 19; minus strand). Cytogenetic location: 9p21.2.
Variant type: Deletion.
Identifiers: ClinVar variation 2423692 (VCV002423692.4).

ClinVar aggregate classification (germline): Pathogenic (1 of 4 stars; one submission).

Submission:

Labcorp Genetics (formerly Invitae), Labcorp
Classification: Pathogenic. Last evaluated: 2022-08-20. Review status: criteria provided, single submitter. Criteria: Invitae Variant Classification Sherloc (09022015). Collection method: clinical testing. Allele origin: germline.
Comment: For these reasons, this variant has been classified as Pathogenic. This variant has not been reported in the literature in individuals affected with IFT74-related conditions. This variant is a gross deletion of the genomic region encompassing exon(s) 5-9 of the IFT74 gene. This deletion is out-of-frame, and is expected to create a premature termination codon and result in an absent or disrupted protein product. Loss-of-function variants in IFT74 are known to be pathogenic (PMID: 33531668).

Literature cited by the submitters: PubMed 33531668.